The following is an entry in ClinVar:

ClinVar aggregate classification (germline): Uncertain significance. Review status: criteria provided, multiple submitters, no conflicts (2 of 4 stars). 2 submissions from 2 submitters: Uncertain significance (2). Last evaluated 2025-05-12.

Conditions:
Developmental and epileptic encephalopathy, 36 (DEE36). Also called: Congenital disorder of glycosylation, type Is; ALG13-CDG; Epileptic encephalopathy, early infantile, 36. Identifiers: Orphanet 324422, MedGen C4317295, MONDO:0010472, OMIM 300884.

Allele frequency attached by ClinVar (database versions not stated): gnomAD exomes below 0.00001 and 0.00001; ExAC 0.00001; TOPMed 0.00001.

Submissions (2):

Labcorp Genetics (formerly Invitae), Labcorp
Classification: Uncertain significance for Developmental and epileptic encephalopathy, 36. Last evaluated: 2025-05-12. Review status: criteria provided, single submitter. Criteria: Invitae Variant Classification Sherloc (09022015). Collection method: clinical testing. Allele origin: germline.
Comment: This sequence change replaces alanine, which is neutral and non-polar, with threonine, which is neutral and polar, at codon 191 of the ALG13 protein (p.Ala191Thr). This variant is not present in population databases (gnomAD no frequency). This variant has not been reported in the literature in individuals affected with ALG13-related conditions. ClinVar contains an entry for this variant (Variation ID: 1443614). Invitae Evidence Modeling of protein sequence and biophysical properties (such as structural, functional, and spatial information, amino acid conservation, physicochemical variation, residue mobility, and thermodynamic stability) indicates that this missense variant is not expected to disrupt ALG13 protein function with a negative predictive value of 95%. In summary, the available evidence is currently insufficient to determine the role of this variant in disease. Therefore, it has been classified as a Variant of Uncertain Significance.

Fulgent Genetics
Classification: Uncertain significance for Developmental and epileptic encephalopathy, 36. Last evaluated: 2022-05-08. Review status: criteria provided, single submitter. Criteria: ACMG Guidelines, 2015. Collection method: clinical testing. Allele origin: unknown.

NM_001099922.3(ALG13):c.571G>A (p.Ala191Thr)

Gene: ALG13 (ALG13 UDP-N-acetylglucosaminyltransferase subunit; plus strand). Cytogenetic location: Xq23.
Variant type: single nucleotide variant.
Coding change: c.571G>A on transcript NM_001099922.3 (MANE Select); coding-DNA position 571, G replaced by A.
Protein change: p.Ala191Thr; replaces alanine 191 with threonine.
Molecular consequence: missense variant. On other transcripts: non-coding transcript variant (1).
Genome position (GRCh38, 1-based): chrX:111,708,214, G>A. VCF-style: chrX-111708214-G-A. GRCh37 (hg19) VCF-style: chrX-110951442-G-A.
Other names: c.259G>A, p.Ala87Thr (NM_001257230.2, NM_001257234.2, NM_001257237.2 and 1 more transcripts); c.337G>A, p.Ala113Thr (NM_001257231.2); c.571G>A, p.Ala191Thr (NM_001324292.2); short protein forms A87T, A113T, A191T.
Identifiers: ClinVar variation 1443614 (VCV001443614.9), dbSNP rs778099828, ClinGen allele CA10493554.